The following is an entry in ClinVar:

ClinVar aggregate classification (germline): Uncertain significance (1 of 4 stars; one submission).

Conditions:
Fanconi anemia (FA). Also called: Fanconi's anemia. Identifiers: Orphanet 84, MedGen C0015625, MeSH D005199, MONDO:0019391.

Submission:

Labcorp Genetics (formerly Invitae), Labcorp
Classification: Uncertain significance for Fanconi anemia. Last evaluated: 2018-03-03. Review status: criteria provided, single submitter. Criteria: Invitae Variant Classification Sherloc (09022015). Collection method: clinical testing. Allele origin: germline.
Comment: This sequence change replaces arginine with lysine at codon 583 of the SLX4 protein (p.Arg583Lys). The arginine residue is weakly conserved and there is a small physicochemical difference between arginine and lysine. This variant is not present in population databases (ExAC no frequency). This variant has not been reported in the literature in individuals with SLX4-related disease. Algorithms developed to predict the effect of missense changes on protein structure and function (SIFT, PolyPhen-2, Align-GVGD) all suggest that this variant is likely to be tolerated, but these predictions have not been confirmed by published functional studies and their clinical significance is uncertain. In summary, the available evidence is currently insufficient to determine the role of this variant in disease. Therefore, it has been classified as a Variant of Uncertain Significance.

NM_032444.4(SLX4):c.1748G>A (p.Arg583Lys)

Gene: SLX4 (SLX4 structure-specific endonuclease subunit; minus strand). Cytogenetic location: 16p13.3.
Variant type: single nucleotide variant.
Coding change: c.1748G>A on transcript NM_032444.4 (MANE Select); coding-DNA position 1748, G replaced by A.
Protein change: p.Arg583Lys; replaces arginine 583 with lysine.
Molecular consequence: missense variant.
Genome position (GRCh38, 1-based): chr16:3,596,329, C>T on the plus strand (G>A on the coding strand, the complement: SLX4 is on the minus strand). VCF-style: chr16-3596329-C-T. GRCh37 (hg19) VCF-style: chr16-3646330-C-T.
Other names: c.1748G>A (LRG_503t1); short protein forms R583K.
Identifiers: ClinVar variation 567143 (VCV000567143.6), dbSNP rs750768695, ClinGen allele CA394527613.